The following is an entry in ClinVar:

ClinVar aggregate classification (germline): Uncertain significance (1 of 4 stars; one submission).

Submission:

Labcorp Genetics (formerly Invitae), Labcorp
Classification: Uncertain significance. Last evaluated: 2025-05-24. Review status: criteria provided, single submitter. Criteria: Invitae Variant Classification Sherloc (09022015). Collection method: clinical testing. Allele origin: germline.
Comment: This sequence change replaces glycine, which is neutral and non-polar, with alanine, which is neutral and non-polar, at codon 186 of the GHR protein (p.Gly186Ala). The frequency data for this variant in the population databases is considered unreliable, as metrics indicate poor data quality at this position in the gnomAD database. This variant has not been reported in the literature in individuals affected with GHR-related conditions. An algorithm developed to predict the effect of missense changes on protein structure and function (PolyPhen-2) suggests that this variant is likely to be disruptive. In summary, the available evidence is currently insufficient to determine the role of this variant in disease. Therefore, it has been classified as a Variant of Uncertain Significance.

NM_000163.5(GHR):c.557_558delinsCG (p.Gly186Ala)

Gene: GHR (growth hormone receptor; plus strand). Cytogenetic location: 5p12.
Variant type: Indel.
Coding change: c.557_558delinsCG on transcript NM_000163.5 (MANE Select); coding-DNA positions 557 to 558, GA replaced by CG.
Protein change: p.Gly186Ala; replaces glycine 186 with alanine.
Molecular consequence: missense variant.
Genome position (GRCh38, 1-based): chr5:42,699,941-42,699,942, GA replaced by CG. VCF-style: chr5-42699941-GA-CG. GRCh37 (hg19) VCF-style: chr5-42700043-GA-CG.
Other names: c.578_579delinsCG, p.Gly193Ala (NM_001242399.2); c.557_558delinsCG, p.Gly186Ala (NM_001242400.2, NM_001242401.4, NM_001242402.2 and 5 more transcripts); c.491_492delinsCG, p.Gly164Ala (NM_001242460.2); short protein forms G193A, G164A, G186A.
Identifiers: ClinVar variation 4697749 (VCV004697749.1).